The following is an entry in ClinVar:

NM_000141.5(FGFR2):c.1078C>G (p.Leu360Val)

Gene: FGFR2 (fibroblast growth factor receptor 2; minus strand). Cytogenetic location: 10q26.13.
Variant type: single nucleotide variant.
Coding change: c.1078C>G on transcript NM_000141.5 (MANE Select); coding-DNA position 1078, C replaced by G.
Protein change: p.Leu360Val; replaces leucine 360 with valine.
Molecular consequence: missense variant. On other transcripts: non-coding transcript variant (1), intron variant (5).
Genome position (GRCh38, 1-based): chr10:121,517,325, G>C on the plus strand (C>G on the coding strand, the complement: FGFR2 is on the minus strand). VCF-style: chr10-121517325-G-C. GRCh37 (hg19) VCF-style: chr10-123276839-G-C.
Other names: c.811C>G, p.Leu271Val (NM_001144915.2, NM_023029.3); c.733C>G, p.Leu245Val (NM_001144916.2, NM_001144918.2); c.394C>G, p.Leu132Val (NM_001320654.2); c.1078C>G, p.Leu360Val (NM_001320658.2); c.749-2006C>G (NM_001144914.1); c.939+2654C>G (NM_001144917.2); c.1087+1357C>G (NM_022970.4, NM_001144913.1); c.820+1357C>G (NM_001144919.2); short protein forms L132V, L245V, L271V, L360V.
Identifiers: ClinVar variation 3369828 (VCV003369828.1).

ClinVar aggregate classification (germline): Uncertain significance (1 of 4 stars; one submission).

gnomAD v4.1: 13 of 1,614,168 alleles (0.00081%); highest among the groups gnomAD compares: African/African-American, 0.0013%; no homozygotes.

Submission:

GeneDx
Classification: Uncertain significance. Last evaluated: 2024-02-26. Review status: criteria provided, single submitter. Criteria: GeneDx Variant Classification Process June 2021. Collection method: clinical testing. Allele origin: germline. Affected: yes.
Comment: Not observed at significant frequency in large population cohorts (gnomAD); In silico analysis supports that this missense variant does not alter protein structure/function; Has not been previously published as pathogenic or benign to our knowledge